The following is an entry in ClinVar:

ClinVar aggregate classification (germline): Uncertain significance (1 of 4 stars; one submission).

Conditions:
Inborn genetic diseases. Identifiers: MedGen C0950123, MeSH D030342.

Submission:

Ambry Genetics
Classification: Uncertain significance for Inborn genetic diseases. Last evaluated: 2016-08-11. Review status: criteria provided, single submitter. Criteria: Ambry Variant Classification Scheme 2023. Collection method: clinical testing. Allele origin: germline.
Comment: The p.N463I variant (also known as c.1388A>T), located in coding exon 8 of the AP4B1 gene, results from an A to T substitution at nucleotide position 1388. The asparagine at codon 463 is replaced by isoleucine, an amino acid with dissimilar properties. This variant was not reported in population based cohorts in the following databases: Database of Single Nucleotide Polymorphisms (dbSNP), NHLBI Exome Sequencing Project (ESP), and 1000 Genomes Project. In the ESP, this variant was not observed in 6503 samples (13006 alleles) with coverage at this position. This amino acid position is highly conserved through mammals but not in all available vertebrate species. In addition, this alteration is predicted to be tolerated by in silico analysis. Since supporting evidence is limited at this time, the clinical significance of this variant remains unclear.

NM_001253852.3(AP4B1):c.1388A>T (p.Asn463Ile)

Genes: AP4B1 (adaptor related protein complex 4 subunit beta 1; minus strand), AP4B1-AS1 (AP4B1 antisense RNA 1; plus strand). Cytogenetic location: 1p13.2.
Variant type: single nucleotide variant.
Coding change: c.1388A>T on transcript NM_001253852.3 (MANE Select); coding-DNA position 1388, A replaced by T.
Protein change: p.Asn463Ile; replaces asparagine 463 with isoleucine.
Molecular consequence: missense variant.
Genome position (GRCh38, 1-based): chr1:113,896,380, T>A on the plus strand (A>T on the coding strand, the complement: AP4B1 is on the minus strand). VCF-style: chr1-113896380-T-A. GRCh37 (hg19) VCF-style: chr1-114439002-T-A.
Other names: c.1091A>T, p.Asn364Ile (NM_001253853.3); c.884A>T, p.Asn295Ile (NM_001308312.2); c.1388A>T, p.Asn463Ile (NM_006594.5); short protein forms N463I, N295I, N364I.
Identifiers: ClinVar variation 588145 (VCV000588145.5), dbSNP rs1558080714, ClinGen allele CA341710275.
Genomic context (GRCh38, chr1:113,896,380, plus strand): 5'-AGGCGCAGCAAAGCAGTGAGCAGCTCCATCTTAACAGCTGGAAATGTTTCCGACTTCACA[T>A]TCTCAACAAAGTCCTCTAACACATAAGGAGCATTAGGAATTCTTTCCCCATGGACACCAA-3'
Protein context (NP_001240781.1, residues 453-473): APYVLEDFVE[Asn463Ile]VKSETFPAVK